The following is an entry in ClinVar:

NM_001291415.2(KDM6A):c.1916G>A (p.Ser639Asn)

Gene: KDM6A (lysine demethylase 6A; plus strand). Cytogenetic location: Xp11.3.
Variant type: single nucleotide variant.
Coding change: c.1916G>A on transcript NM_001291415.2 (MANE Select); coding-DNA position 1916, G replaced by A.
Protein change: p.Ser639Asn; replaces serine 639 with asparagine.
Molecular consequence: missense variant. On other transcripts: non-coding transcript variant (1).
Genome position (GRCh38, 1-based): chrX:45,063,654, G>A. VCF-style: chrX-45063654-G-A. GRCh37 (hg19) VCF-style: chrX-44922899-G-A.
Other names: c.1781G>A, p.Ser594Asn (NM_001291416.2, NM_001419811.1); c.1625G>A, p.Ser542Asn (NM_001291417.2); c.1523G>A, p.Ser508Asn (NM_001291418.2, NM_001419815.1); c.872G>A, p.Ser291Asn (NM_001291421.2); c.1658G>A, p.Ser553Asn (NM_001410742.1, NM_001419814.1); c.1916G>A, p.Ser639Asn (NM_001419809.1); c.1814G>A, p.Ser605Asn (NM_001419810.1, NM_001419813.1); c.1760G>A, p.Ser587Asn (NM_001419812.1, NM_021140.4); short protein forms S587N, S594N, S639N, S291N, S508N, S542N, S605N, S553N.
Identifiers: ClinVar variation 2712169 (VCV002712169.3), dbSNP rs962190659, ClinGen allele CA329046505.

ClinVar aggregate classification (germline): Uncertain significance (1 of 4 stars; one submission).

Conditions:
Kabuki syndrome 2 (KABUK2). Also called: KDM6A-Related Kabuki Syndrome. Identifiers: Orphanet 2322, MedGen C3275495, MONDO:0010465, OMIM 300867.

Allele frequency attached by ClinVar (database versions not stated): TOPMed below 0.00001; gnomAD exomes 0.00001; gnomAD 0.00002.
gnomAD v4.1: 12 of 1,208,806 alleles (0.00099%); highest among the groups gnomAD compares: African/African-American, 0.0018%; no homozygotes.

Submission:

Labcorp Genetics (formerly Invitae), Labcorp
Classification: Uncertain significance for Kabuki syndrome 2. Last evaluated: 2025-11-06. Review status: criteria provided, single submitter. Criteria: Invitae Variant Classification Sherloc (09022015). Collection method: clinical testing. Allele origin: germline.
Comment: This sequence change replaces serine, which is neutral and polar, with asparagine, which is neutral and polar, at codon 587 of the KDM6A protein (p.Ser587Asn). This variant is not present in population databases (gnomAD no frequency). This missense change has been observed in individual(s) with Kabuki syndrome (PMID: 33742552). ClinVar contains an entry for this variant (Variation ID: 2712169). Invitae Evidence Modeling of protein sequence and biophysical properties (such as structural, functional, and spatial information, amino acid conservation, physicochemical variation, residue mobility, and thermodynamic stability) indicates that this missense variant is not expected to disrupt KDM6A protein function with a negative predictive value of 80%. In summary, the available evidence is currently insufficient to determine the role of this variant in disease. Therefore, it has been classified as a Variant of Uncertain Significance.

Literature cited by the submitters: PubMed 33742552.